The following is an entry in ClinVar:

GRCh37/hg19 20q11.21-11.23(chr20:29652122-35603726)x3

Genes: AAR2 (AAR2 splicing factor; plus strand), ACSS2 (acyl-CoA synthetase short chain family member 2; plus strand), ACTL10 (actin like 10; plus strand), AHCY (adenosylhomocysteinase; minus strand), ASIP (agouti signaling protein; plus strand) and 95 more. Cytogenetic location: 20q11.21-11.23.
Variant type: copy number gain.
Change: copy number 3 (three copies instead of two) of chr20:29,652,122-35,603,726 (5.95 Mb, GRCh37 coordinates, 1-based), cytogenetic band 20q11.21-11.23.
Identifiers: ClinVar variation 1809278 (VCV001809278.1).

ClinVar aggregate classification (germline): Likely pathogenic (1 of 4 stars; one submission).

Submission:

Quest Diagnostics Nichols Institute San Juan Capistrano
Classification: Likely pathogenic. Last evaluated: 2021-09-28. Review status: criteria provided, single submitter. Criteria: ACMG/ClinGen CNV Guidelines, 2019. Collection method: clinical testing. Allele origin: unknown.
Comment: The copy number gain of 20q11.21q11.23 involves several genes associated with autosomal dominant disorders. Overlapping duplications of the 20q11.22q13.11 region ranging from approximately 7.5 to 10 Mb have been reported in multiple patients with dysmorphic craniofacial features, short hands and feet, and developmental delay (Goetzinger 2021, Avila 2013). Even though copy number gains of this specific locus have not been associated with an established clinical phenotype, based upon gene content and current review of the medical literature, this copy number variant (CNV) is interpreted as likely pathogenic. References: Avila et al., Am J Med Genet A. 2013 Jul;161A(7):1594-8. PMID:23704076. Goetzinger et al., Mol Genet Genomic Med. 2021 Aug;9(8):e1755. PMID:34268909.